The following is an entry in ClinVar:

ClinVar aggregate classification (germline): Uncertain significance (1 of 4 stars; one submission).

Conditions:
Inborn genetic diseases. Identifiers: MedGen C0950123, MeSH D030342.

Submission:

Ambry Genetics
Classification: Uncertain significance for Inborn genetic diseases. Last evaluated: 2022-01-25. Review status: criteria provided, single submitter. Criteria: Ambry Variant Classification Scheme 2023. Collection method: clinical testing. Allele origin: germline.
Comment: Not expected to trigger nonsense-mediated mRNA decay Based on insufficient or conflicting evidence, the clinical significance of this alteration remains unclear.

NM_012309.5(SHANK2):c.5471dup (p.Asp1824fs)

Gene: SHANK2 (SH3 and multiple ankyrin repeat domains 2; minus strand). Cytogenetic location: 11q13.3.
Variant type: Duplication.
Coding change: c.5471dup on transcript NM_012309.5 (MANE Select); coding-DNA position 5471, one base duplicated (A; older notation c.5471dupA).
Protein change: p.Asp1824fs; shifts the reading frame from aspartic acid 1824.
Molecular consequence: frameshift variant. On other transcripts: non-coding transcript variant (1).
Genome position (GRCh38, 1-based): chr11:70,472,948, T duplicated on the plus strand (A on the coding strand, the reverse complement: SHANK2 is on the minus strand). VCF-style (leftmost placement, unchanged base first): chr11-70472947-G-GT. GRCh37 (hg19) VCF-style: chr11-70319052-G-GT.
Other names: c.4334dup, p.Asp1445fs (NM_001379226.1); c.3707dup, p.Asp1236fs (NM_133266.5); short protein forms D1445fs, D1824fs, D1236fs.
Identifiers: ClinVar variation 2271782 (VCV002271782.2), dbSNP rs2503508081, ClinGen allele CA2580084800.